The following is an entry in ClinVar:

NM_000384.3(APOB):c.279G>C (p.Lys93Asn)

Gene: APOB (apolipoprotein B; minus strand). Cytogenetic location: 2p24.1.
Variant type: single nucleotide variant.
Coding change: c.279G>C on transcript NM_000384.3 (MANE Select); coding-DNA position 279, G replaced by C.
Protein change: p.Lys93Asn; replaces lysine 93 with asparagine.
Molecular consequence: missense variant.
Genome position (GRCh38, 1-based): chr2:21,041,042, C>G on the plus strand (G>C on the coding strand, the complement: APOB is on the minus strand). VCF-style: chr2-21041042-C-G. GRCh37 (hg19) VCF-style: chr2-21263914-C-G.
Other names: short protein forms K93N.
Identifiers: ClinVar variation 3885279 (VCV003885279.1).
Genomic context (GRCh38, chr2:21,041,042, plus strand): 5'-CAGCAAGGCTTTGCCCTCAGGGTTGAAGCCATACACCTCTTTCAGGGTGCACTGGCTGGT[C>G]TTCAGGATGAAGCTGCAGAGCTGGGGAACCTCCAGCTCAACCTGAGAATTCAGGGTAGCA-3'
Protein context (NP_000375.3, residues 83-103): EVPQLCSFIL[Lys93Asn]TSQCTLKEVY

ClinVar aggregate classification (germline): Uncertain significance (1 of 4 stars; one submission).

Conditions:
Cardiovascular phenotype. Identifiers: MedGen CN230736.

Submission:

Ambry Genetics
Classification: Uncertain significance for Cardiovascular phenotype. Last evaluated: 2025-02-13. Review status: criteria provided, single submitter. Criteria: Ambry Variant Classification Scheme 2023. Collection method: clinical testing. Allele origin: germline.
Comment: The p.K93N variant (also known as c.279G>C), located in coding exon 4 of the APOB gene, results from a G to C substitution at nucleotide position 279. The lysine at codon 93 is replaced by asparagine, an amino acid with similar properties. This amino acid position is conserved. In addition, this alteration is predicted to be tolerated by in silico analysis. Based on the available evidence, the clinical significance of this variant remains unclear.